The following is an entry in ClinVar:

NM_004064.5(CDKN1B):c.181A>C (p.Asn61His)

Gene: CDKN1B (cyclin dependent kinase inhibitor 1B; plus strand). Cytogenetic location: 12p13.1.
Variant type: single nucleotide variant.
Coding change: c.181A>C on transcript NM_004064.5 (MANE Select); coding-DNA position 181, A replaced by C.
Protein change: p.Asn61His; replaces asparagine 61 with histidine.
Molecular consequence: missense variant.
Genome position (GRCh38, 1-based): chr12:12,718,020, A>C. VCF-style: chr12-12718020-A-C. GRCh37 (hg19) VCF-style: chr12-12870954-A-C.
Other names: c.181A>C (NM_004064.3); short protein forms N61H.
Identifiers: ClinVar variation 851061 (VCV000851061.12), dbSNP rs754531356, ClinGen allele CA6457407.

ClinVar aggregate classification (germline): Uncertain significance. Review status: criteria provided, multiple submitters, no conflicts (2 of 4 stars). 2 submissions from 2 submitters: Uncertain significance (2). Last evaluated 2025-06-14.

Conditions:
Hereditary cancer-predisposing syndrome. Also called: Neoplastic Syndromes, Hereditary; Hereditary Cancer Syndrome; Hereditary neoplastic syndrome; Tumor predisposition. Identifiers: Orphanet 140162, MedGen C0027672, MeSH D009386, MONDO:0015356.
Multiple endocrine neoplasia type 4. Also called: MULTIPLE ENDOCRINE NEOPLASIA, TYPE IV. Identifiers: Orphanet 276152, MedGen C1970712, MONDO:0012552, OMIM 610755.

Allele frequency attached by ClinVar (database versions not stated): TOPMed below 0.00001; ExAC 0.00001; gnomAD 0.00001.

Submissions (2):

Ambry Genetics
Classification: Uncertain significance for Hereditary cancer-predisposing syndrome. Last evaluated: 2025-06-14. Review status: criteria provided, single submitter. Criteria: Ambry Variant Classification Scheme 2023. Collection method: clinical testing. Allele origin: germline.
Comment: The p.N61H variant (also known as c.181A>C), located in coding exon 1 of the CDKN1B gene, results from an A to C substitution at nucleotide position 181. The asparagine at codon 61 is replaced by histidine, an amino acid with similar properties. This amino acid position is conserved. In addition, the in silico prediction for this alteration is inconclusive. Since supporting evidence is limited at this time, the clinical significance of this alteration remains unclear.

Labcorp Genetics (formerly Invitae), Labcorp
Classification: Uncertain significance for Multiple endocrine neoplasia type 4. Last evaluated: 2022-01-27. Review status: criteria provided, single submitter. Criteria: Invitae Variant Classification Sherloc (09022015). Collection method: clinical testing. Allele origin: germline.
Comment: This sequence change replaces asparagine, which is neutral and polar, with histidine, which is basic and polar, at codon 61 of the CDKN1B protein (p.Asn61His). This variant is not present in population databases (gnomAD no frequency). This variant has not been reported in the literature in individuals affected with CDKN1B-related conditions. ClinVar contains an entry for this variant (Variation ID: 851061). Algorithms developed to predict the effect of missense changes on protein structure and function (SIFT, PolyPhen-2, Align-GVGD) all suggest that this variant is likely to be disruptive. In summary, the available evidence is currently insufficient to determine the role of this variant in disease. Therefore, it has been classified as a Variant of Uncertain Significance.